The following is an entry in ClinVar:

ClinVar aggregate classification (germline): Uncertain significance (1 of 4 stars; one submission).

Allele frequency attached by ClinVar (database versions not stated): gnomAD 0.00001; ExAC 0.00002; TOPMed 0.00002; gnomAD exomes 0.00004; ESP Exome Variant Server 0.00008.
gnomAD v4.1: 66 of 1,614,130 alleles (0.0041%); highest among the groups gnomAD compares: Non-Finnish European, 0.0051%; no homozygotes.

Submission:

Labcorp Genetics (formerly Invitae), Labcorp
Classification: Uncertain significance. Last evaluated: 2026-01-24. Review status: criteria provided, single submitter. Criteria: Invitae Variant Classification Sherloc (09022015). Collection method: clinical testing. Allele origin: germline.
Comment: This sequence change replaces glutamine, which is neutral and polar, with arginine, which is basic and polar, at codon 81 of the ANGPT1 protein (p.Gln81Arg). This variant is present in population databases (rs150841723, gnomAD 0.007%). This variant has not been reported in the literature in individuals affected with ANGPT1-related conditions. ClinVar contains an entry for this variant (Variation ID: 2168527). An algorithm developed to predict the effect of missense changes on protein structure and function outputs the following: PolyPhen-2: "Benign". The arginine amino acid residue is found in multiple mammalian species, which suggests that this missense change does not adversely affect protein function. In summary, the available evidence is currently insufficient to determine the role of this variant in disease. Therefore, it has been classified as a Variant of Uncertain Significance.

NM_001146.5(ANGPT1):c.242A>G (p.Gln81Arg)

Gene: ANGPT1 (angiopoietin 1; minus strand). Cytogenetic location: 8q23.1.
Variant type: single nucleotide variant.
Coding change: c.242A>G on transcript NM_001146.5 (MANE Select); coding-DNA position 242, A replaced by G.
Protein change: p.Gln81Arg; replaces glutamine 81 with arginine.
Molecular consequence: missense variant.
Genome position (GRCh38, 1-based): chr8:107,497,317, T>C on the plus strand (A>G on the coding strand, the complement: ANGPT1 is on the minus strand). VCF-style: chr8-107497317-T-C. GRCh37 (hg19) VCF-style: chr8-108509545-T-C.
Other names: c.242A>G, p.Gln81Arg (NM_001199859.3); short protein forms Q81R.
Identifiers: ClinVar variation 2168527 (VCV002168527.4), dbSNP rs150841723, ClinGen allele CA4841420.